The following is an entry in ClinVar:

NM_000282.4(PCCA):c.1026GAA[1] (p.Lys343del)

Gene: PCCA (propionyl-CoA carboxylase subunit alpha; plus strand). Cytogenetic location: 13q32.3.
Variant type: Microsatellite.
Coding change: c.1026GAA[1] on transcript NM_000282.4 (MANE Select); one copy of the 3-base unit GAA starting at c.1026; the reference has two copies in a row; one copy, 3 bases deleted.
Protein change: p.Lys343del; deletes lysine 343.
Molecular consequence: inframe deletion. On other transcripts: non-coding transcript variant (5).
Genome position (GRCh38, 1-based): chr13:100,273,310-100,273,312, GAA deleted; deleting any 3 consecutive bases within chr13:100,273,305-100,273,312 gives the same sequence; the position shown is the placement nearest the transcript's 3' end. VCF-style (leftmost placement, unchanged base first): chr13-100273304-TAAG-T. GRCh37 (hg19) VCF-style: chr13-100925558-TAAG-T.
Other names: c.948GAA[1], p.Lys317del (NM_001127692.3, NM_001352607.2, NM_001352608.2); c.1026GAA[1], p.Lys343del (NM_001178004.2, NM_001352605.2, NM_001352606.2 and 1 more transcripts); c.81GAA[1], p.Lys28del (NM_001352610.2, NM_001352611.2, NM_001352612.2); short protein forms K317del, K343del, K28del.
Identifiers: ClinVar variation 1962878 (VCV001962878.2), dbSNP rs2063430086, ClinGen allele CA2114013380.

ClinVar aggregate classification (germline): Uncertain significance (1 of 4 stars; one submission).

Conditions:
Propionic acidemia (PROP). Also called: GLYCINEMIA, KETOTIC; HYPERGLYCINEMIA WITH KETOACIDOSIS AND LEUKOPENIA; KETOTIC HYPERGLYCINEMIA. Identifiers: Orphanet 35, MedGen C0268579, MONDO:0011628, OMIM 606054, HP:0003571.

Submission:

Labcorp Genetics (formerly Invitae), Labcorp
Classification: Uncertain significance for Propionic acidemia. Last evaluated: 2022-08-21. Review status: criteria provided, single submitter. Criteria: Invitae Variant Classification Sherloc (09022015). Collection method: clinical testing. Allele origin: germline.
Comment: This variant, c.1029_1031del, results in the deletion of 1 amino acid(s) of the PCCA protein (p.Lys343del), but otherwise preserves the integrity of the reading frame. This variant is not present in population databases (gnomAD no frequency). This variant has not been reported in the literature in individuals affected with PCCA-related conditions. Experimental studies and prediction algorithms are not available or were not evaluated, and the functional significance of this variant is currently unknown. In summary, the available evidence is currently insufficient to determine the role of this variant in disease. Therefore, it has been classified as a Variant of Uncertain Significance.